The following is an entry in ClinVar:

ClinVar aggregate classification (germline): Uncertain significance (1 of 4 stars; one submission).

Allele frequency attached by ClinVar (database versions not stated): TOPMed below 0.00001.

Submission:

Ambry Genetics
Classification: Uncertain significance. Last evaluated: 2022-08-04. Review status: criteria provided, single submitter. Criteria: Ambry Variant Classification Scheme 2023. Collection method: clinical testing. Allele origin: germline.
Comment: The p.K379E variant (also known as c.1135A>G), located in coding exon 12 of the PRKDC gene, results from an A to G substitution at nucleotide position 1135. The lysine at codon 379 is replaced by glutamic acid, an amino acid with similar properties. This amino acid position is conserved. In addition, this alteration is predicted to be tolerated by in silico analysis. Since supporting evidence is limited at this time, the clinical significance of this alteration remains unclear.

NM_006904.7(PRKDC):c.1135A>G (p.Lys379Glu)

Gene: PRKDC (protein kinase, DNA-activated, catalytic subunit; minus strand). Cytogenetic location: 8q11.21.
Variant type: single nucleotide variant.
Coding change: c.1135A>G on transcript NM_006904.7 (MANE Select); coding-DNA position 1135, A replaced by G.
Protein change: p.Lys379Glu; replaces lysine 379 with glutamic acid.
Molecular consequence: missense variant.
Genome position (GRCh38, 1-based): chr8:47,936,496, T>C on the plus strand (A>G on the coding strand, the complement: PRKDC is on the minus strand). VCF-style: chr8-47936496-T-C. GRCh37 (hg19) VCF-style: chr8-48849056-T-C.
Other names: c.1135A>G, p.Lys379Glu (NM_001081640.2); short protein forms K379E.
Identifiers: ClinVar variation 1729509 (VCV001729509.2), dbSNP rs1255859996, ClinGen allele CA371166358.
Genomic context (GRCh38, chr8:47,936,496, plus strand): 5'-GGGTGAGGAACATCTGCTTGCAGCGCTGAATGAGCTCAACGTACATGAAGTCAACATCTT[T>C]TGCGTTTATAACCTTGCACGGCTTTAGAAAAGGTAAAACAGAAGTCTTCATCAATCTTAT-3'
Protein context (NP_008835.5, residues 369-389): FAGPCKVINA[Lys379Glu]DVDFMYVELI